The following is an entry in ClinVar:

ClinVar aggregate classification (germline): Pathogenic. Review status: criteria provided, multiple submitters, no conflicts (2 of 4 stars). 2 submissions from 2 submitters: Pathogenic (2). Last evaluated 2020-05-13.

Conditions:
Hereditary cancer-predisposing syndrome. Also called: Neoplastic Syndromes, Hereditary; Hereditary neoplastic syndrome; Hereditary Cancer Syndrome; Tumor predisposition. Identifiers: Orphanet 140162, MedGen C0027672, MeSH D009386, MONDO:0015356.
Cardiovascular phenotype. Identifiers: MedGen CN230736.

Submissions (2):

Ambry Genetics
Classification: Pathogenic for Cardiovascular phenotype; Hereditary cancer-predisposing syndrome. Last evaluated: 2020-05-13. Review status: criteria provided, single submitter. Criteria: Ambry Variant Classification Scheme 2023. Collection method: clinical testing. Allele origin: germline.
Comment: The c.4773-2A>C intronic pathogenic mutation results from an A to C substitution two nucleotides upstream from coding exon 36 in the NF1 gene. This variant has been reported in individuals with neurofibromatosis type I (Ambry internal data; Pros E et al. Hum. Mutat., 2008 Sep;29:E173-93; Zhang J et al. Sci Rep, 2015 Jun;5:11291). RT-PCR and cDNA studies showed abnormal transcripts resulting from a deletion in exon 36 (Pros E et al. Hum. Mutat., 2008 Sep;29:E173-93; Zhang J et al. Sci Rep, 2015 Jun;5:11291). In addition to the clinical data presented in the literature, alterations that disrupt the canonical splice site are expected to cause aberrant splicing, resulting in an abnormal protein or a transcript that is subject to nonsense-mediated mRNA decay. As such, this alteration is classified as a disease-causing mutation.

GeneDx
Classification: Pathogenic. Last evaluated: 2017-07-05. Review status: criteria provided, single submitter. Criteria: GeneDx Variant Classification (06012015). Collection method: clinical testing. Allele origin: germline. Affected: yes.
Comment: This variant is denoted NF1 c.4773-2A>C or IVS35-2A>C and consists of an A>C nucleotidesubstitution at the -2 position of intron 35 of the NF1 gene. This variant destroys a canonical splice acceptor site and ispredicted to cause abnormal gene splicing, leading to either an abnormal message that is subject to nonsense-mediated mRNA decay or to an abnormal protein product. This variant has been reported in at least two individualswith a diagnosis or clinical suspicion of Neurofibromatosis Type 1 (Pros 2008, Zhang 2015), and was shown on RT-PCR analysis to result in an out-of-frame deletion within exon 36 (Zhang 2015). Based on the current evidence, weconsider this variant to be pathogenic

NM_001042492.3(NF1):c.4836-2A>C

Gene: NF1 (neurofibromin 1; plus strand). Cytogenetic location: 17q11.2.
Variant type: single nucleotide variant.
Coding change: c.4836-2A>C on transcript NM_001042492.3 (MANE Select); the canonical splice acceptor site of the intron before coding-DNA position 4836, A replaced by C.
Molecular consequence: splice acceptor variant.
Genome position (GRCh38, 1-based): chr17:31,325,818, A>C. VCF-style: chr17-31325818-A-C. GRCh37 (hg19) VCF-style: chr17-29652836-A-C.
Other names: c.4773-2A>C (NM_000267.4).
Identifiers: ClinVar variation 449428 (VCV000449428.4), dbSNP rs1555533265, ClinGen allele CA399006870.